The following is an entry in ClinVar:

ClinVar aggregate classification (germline): Uncertain significance (1 of 4 stars; one submission).

Conditions:
Immunodeficiency due to CD25 deficiency. Also called: CD25 DEFICIENCY; IL2RA DEFICIENCY; IMMUNODEFICIENCY 41 WITH LYMPHOPROLIFERATION AND AUTOIMMUNITY. Identifiers: Orphanet 169100, MedGen C1853392, MONDO:0011664, OMIM 606367.

Allele frequency attached by ClinVar (database versions not stated): gnomAD 0.00001; ExAC 0.00002; ESP Exome Variant Server 0.00008.
gnomAD v4.1: 15 of 1,610,994 alleles (0.00093%); highest among the groups gnomAD compares: South Asian, 0.0033%; no homozygotes.

Submissions (3):

Labcorp Genetics (formerly Invitae), Labcorp
Classification: Uncertain significance for Immunodeficiency due to CD25 deficiency. Last evaluated: 2025-09-10. Review status: criteria provided, single submitter. Criteria: Invitae Variant Classification Sherloc (09022015). Collection method: clinical testing. Allele origin: germline.
Comment: This sequence change replaces alanine, which is neutral and non-polar, with valine, which is neutral and non-polar, at codon 119 of the IL2RA protein (p.Ala119Val). This variant is present in population databases (rs138645280, gnomAD 0.003%). This variant has not been reported in the literature in individuals affected with IL2RA-related conditions. ClinVar contains an entry for this variant (Variation ID: 1980625). Invitae Evidence Modeling of protein sequence and biophysical properties (such as structural, functional, and spatial information, amino acid conservation, physicochemical variation, residue mobility, and thermodynamic stability) indicates that this missense variant is not expected to disrupt IL2RA protein function with a negative predictive value of 80%. In summary, the available evidence is currently insufficient to determine the role of this variant in disease. Therefore, it has been classified as a Variant of Uncertain Significance.

Dr. Peter K. Rogan Lab, Western University
No classification provided (evidence only). Condition: Malignant lymphoma, large B-cell, diffuse. Review status: no classification provided. Collection method: in vitro. Allele origin: not applicable. Functional consequence: retained intron. Not counted in ClinVar's aggregate classification.

Dr. Peter K. Rogan Lab, Western University
No classification provided (evidence only). Condition: Malignant tumor of esophagus. Review status: no classification provided. Collection method: in vitro. Allele origin: not applicable. Functional consequence: retained intron. Not counted in ClinVar's aggregate classification.

NM_000417.3(IL2RA):c.356C>T (p.Ala119Val)

Gene: IL2RA (interleukin 2 receptor subunit alpha; minus strand). Cytogenetic location: 10p15.1.
Variant type: single nucleotide variant.
Coding change: c.356C>T on transcript NM_000417.3 (MANE Select); coding-DNA position 356, C replaced by T.
Protein change: p.Ala119Val; replaces alanine 119 with valine.
Molecular consequence: missense variant.
Genome position (GRCh38, 1-based): chr10:6,024,255, G>A on the plus strand (C>T on the coding strand, the complement: IL2RA is on the minus strand). VCF-style: chr10-6024255-G-A. GRCh37 (hg19) VCF-style: chr10-6066218-G-A.
Other names: c.356C>T, p.Ala119Val (NM_001308242.2, NM_001308243.2); short protein forms A119V.
Identifiers: ClinVar variation 1980625 (VCV001980625.3), dbSNP rs138645280, ClinGen allele CA5397488.